The following is an entry in ClinVar:

ClinVar aggregate classification (germline): Uncertain significance (1 of 4 stars; one submission).

Conditions:
Hyperkalemic periodic paralysis. Also called: Familial hyperkalemic periodic paralysis; Gamstorp disease. Identifiers: Orphanet 682, MedGen C0238357, MONDO:0008224, OMIM 170500, HP:0007215.

Submission:

Labcorp Genetics (formerly Invitae), Labcorp
Classification: Uncertain significance for Hyperkalemic periodic paralysis. Last evaluated: 2025-10-18. Review status: criteria provided, single submitter. Criteria: Invitae Variant Classification Sherloc (09022015). Collection method: clinical testing. Allele origin: germline.
Comment: This sequence change replaces phenylalanine, which is neutral and non-polar, with leucine, which is neutral and non-polar, at codon 1494 of the SCN4A protein (p.Phe1494Leu). This variant is not present in population databases (gnomAD no frequency). This variant has not been reported in the literature in individuals affected with SCN4A-related conditions. Invitae Evidence Modeling of protein sequence and biophysical properties (such as structural, functional, and spatial information, amino acid conservation, physicochemical variation, residue mobility, and thermodynamic stability) indicates that this missense variant is expected to disrupt SCN4A protein function with a positive predictive value of 95%. In summary, the available evidence is currently insufficient to determine the role of this variant in disease. Therefore, it has been classified as a Variant of Uncertain Significance.

NM_000334.4(SCN4A):c.4480T>C (p.Phe1494Leu)

Genes: GH-LCR (growth hormone locus control region; plus strand), SCN4A (sodium voltage-gated channel alpha subunit 4; minus strand). Cytogenetic location: 17q23.3.
Variant type: single nucleotide variant.
Coding change: c.4480T>C on transcript NM_000334.4 (MANE Select); coding-DNA position 4480, T replaced by C.
Protein change: p.Phe1494Leu; replaces phenylalanine 1494 with leucine.
Molecular consequence: missense variant.
Genome position (GRCh38, 1-based): chr17:63,941,802, A>G on the plus strand (T>C on the coding strand, the complement: SCN4A is on the minus strand). VCF-style: chr17-63941802-A-G. GRCh37 (hg19) VCF-style: chr17-62019162-A-G.
Other names: short protein forms F1494L.
Identifiers: ClinVar variation 4746999 (VCV004746999.1).
Genomic context (GRCh38, chr17:63,941,802, plus strand): 5'-CGATGCCCGACTCCTTCTTGACGTAGGCAAAGTTGGACATGCCGAAGATGGAGTAGATGA[A>G]CATGACCAGGAAGAGGAGGAGGCCGATGTTGAAGAGGGCAGGCAGCGACATCATGAGGGC-3'
Protein context (NP_000325.4, residues 1484-1504): NIGLLLFLVM[Phe1494Leu]IYSIFGMSNF